The following is an entry in ClinVar:

ClinVar aggregate classification (germline): Uncertain significance (1 of 4 stars; one submission).

Submission:

Labcorp Genetics (formerly Invitae), Labcorp
Classification: Uncertain significance. Last evaluated: 2020-09-11. Review status: criteria provided, single submitter. Criteria: Invitae Variant Classification Sherloc (09022015). Collection method: clinical testing. Allele origin: germline.
Comment: This sequence change replaces glutamic acid with glutamine at codon 660 of the ARHGEF18 protein (p.Glu660Gln). The glutamic acid residue is highly conserved and there is a small physicochemical difference between glutamic acid and glutamine. This variant is not present in population databases (ExAC no frequency). This variant has not been reported in the literature in individuals with ARHGEF18-related conditions. Algorithms developed to predict the effect of missense changes on protein structure and function are either unavailable or do not agree on the potential impact of this missense change (SIFT: "Deleterious"; PolyPhen-2: "Benign"; Align-GVGD: "Class C0"). In summary, the available evidence is currently insufficient to determine the role of this variant in disease. Therefore, it has been classified as a Variant of Uncertain Significance.

NM_001367823.1(ARHGEF18):c.2542G>C (p.Glu848Gln)

Gene: ARHGEF18 (Rho/Rac guanine nucleotide exchange factor 18; plus strand). Cytogenetic location: 19p13.2.
Variant type: single nucleotide variant.
Coding change: c.2542G>C on transcript NM_001367823.1 (MANE Select); coding-DNA position 2542, G replaced by C.
Protein change: p.Glu848Gln; replaces glutamic acid 848 with glutamine.
Molecular consequence: missense variant.
Genome position (GRCh38, 1-based): chr19:7,462,241, G>C. VCF-style: chr19-7462241-G-C. GRCh37 (hg19) VCF-style: chr19-7527127-G-C.
Other names: c.1816G>C, p.Glu606Gln (NM_001130955.2); c.1504G>C, p.Glu502Gln (NM_001367824.1, NM_015318.4); short protein forms E502Q, E606Q, E848Q.
Identifiers: ClinVar variation 1001201 (VCV001001201.8), dbSNP rs768805520, ClinGen allele CA403081127.